The following is an entry in ClinVar:

NM_001375567.1(FOCAD):c.1400A>G (p.Asn467Ser)

Gene: FOCAD (focadhesin; plus strand). Cytogenetic location: 9p21.3.
Variant type: single nucleotide variant.
Coding change: c.1400A>G on transcript NM_001375567.1 (MANE Select); coding-DNA position 1400, A replaced by G.
Protein change: p.Asn467Ser; replaces asparagine 467 with serine.
Molecular consequence: missense variant.
Genome position (GRCh38, 1-based): chr9:20,789,553, A>G. VCF-style: chr9-20789553-A-G. GRCh37 (hg19) VCF-style: chr9-20789552-A-G.
Other names: c.1400A>G, p.Asn467Ser (NM_001375568.1, NM_017794.5); c.1295A>G, p.Asn432Ser (NM_001375570.1); short protein forms N432S, N467S.
Identifiers: ClinVar variation 2629668 (VCV002629668.1), dbSNP rs765559875, ClinGen allele CA5006694.
Genomic context (GRCh38, chr9:20,789,553, plus strand): 5'-TGATCCCTGCGCCTGCCTTTCTTCTGCTGGCTCACCTCCTTGTTGAAGACAAAGGACAAA[A>G]TCTTCACCAAATACTCAAGGTCACTACAGAATTAGCCCAAGCAGATTCCTCCCAGGTAAA-3'
Protein context (NP_001362496.1, residues 457-477): AHLLVEDKGQ[Asn467Ser]LHQILKVTTE

ClinVar aggregate classification (germline): Uncertain significance (1 of 4 stars; one submission).

Conditions:
FOCAD-related disorder. Also called: FOCAD-related condition.

Allele frequency attached by ClinVar (database versions not stated): ExAC 0.00001; gnomAD 0.00001; gnomAD exomes 0.00001; TOPMed 0.00001.
gnomAD v4.1: 6 of 1,613,790 alleles (0.00037%); highest among the groups gnomAD compares: Admixed American, 0.01%; no homozygotes.

Submission:

PreventionGenetics, part of Exact Sciences
Classification: Uncertain significance for FOCAD-related condition. Last evaluated: 2022-12-21. Review status: criteria provided, single submitter. Criteria: ACMG Guidelines, 2015. Collection method: clinical testing. Allele origin: germline.
Comment: The FOCAD c.1400A>G variant is predicted to result in the amino acid substitution p.Asn467Ser. To our knowledge, this variant has not been reported in the literature. This variant is reported in 0.014% of alleles in individuals of Latino descent in gnomAD. At this time, the clinical significance of this variant is uncertain due to the absence of conclusive functional and genetic evidence.